The following is an entry in ClinVar:

ClinVar aggregate classification (germline): Uncertain significance. Review status: criteria provided, multiple submitters, no conflicts (2 of 4 stars). 3 submissions from 3 submitters: Uncertain significance (2). 1 of the submissions does not count toward it. Last evaluated 2022-07-23.

Conditions:
Glycine encephalopathy. Also called: Non-ketotic hyperglycinemia; Nonketotic hyperglycinemia. Identifiers: Orphanet 407, MedGen C0751748, MONDO:0011612, HP:0008288.
Glycine encephalopathy 1 (GCE1). Identifiers: MedGen CN376801, MONDO:0958179, OMIM 605899.

Allele frequency attached by ClinVar (database versions not stated): TOPMed 0.00003; gnomAD exomes 0.00004 and 0.00006; gnomAD 0.00005 and 0.00006; ExAC 0.00006.
gnomAD v4.1: 94 of 1,613,456 alleles (0.0058%); highest among the groups gnomAD compares: Non-Finnish European, 0.0077%; no homozygotes.

Submissions (3):

Labcorp Genetics (formerly Invitae), Labcorp
Classification: Uncertain significance for Glycine encephalopathy. Last evaluated: 2022-07-23. Review status: criteria provided, single submitter. Criteria: Invitae Variant Classification Sherloc (09022015). Collection method: clinical testing. Allele origin: germline.
Comment: This sequence change replaces lysine, which is basic and polar, with arginine, which is basic and polar, at codon 871 of the GLDC protein (p.Lys871Arg). This variant is present in population databases (rs766244892, gnomAD 0.009%). This variant has not been reported in the literature in individuals affected with GLDC-related conditions. ClinVar contains an entry for this variant (Variation ID: 664854). Algorithms developed to predict the effect of missense changes on protein structure and function are either unavailable or do not agree on the potential impact of this missense change (SIFT: "Deleterious"; PolyPhen-2: "Possibly Damaging"; Align-GVGD: "Class C0"). In summary, the available evidence is currently insufficient to determine the role of this variant in disease. Therefore, it has been classified as a Variant of Uncertain Significance.

Department of Pathology and Laboratory Medicine, Sinai Health System
Classification: Uncertain significance for Glycine encephalopathy 1. Last evaluated: 2022-03-12. Review status: criteria provided, single submitter. Criteria: ACMG Guidelines, 2015. Collection method: research. Allele origin: germline.

Natera, Inc.
Classification: Uncertain significance for Non-ketotic hyperglycinemia. Last evaluated: 2020-10-16. Review status: no assertion criteria provided. Collection method: clinical testing. Allele origin: germline. Not counted in ClinVar's aggregate classification.

NM_000170.3(GLDC):c.2612A>G (p.Lys871Arg)

Gene: GLDC (glycine decarboxylase; minus strand). Cytogenetic location: 9p24.1.
Variant type: single nucleotide variant.
Coding change: c.2612A>G on transcript NM_000170.3 (MANE Select); coding-DNA position 2612, A replaced by G.
Protein change: p.Lys871Arg; replaces lysine 871 with arginine.
Molecular consequence: missense variant.
Genome position (GRCh38, 1-based): chr9:6,540,104, T>C on the plus strand (A>G on the coding strand, the complement: GLDC is on the minus strand). VCF-style: chr9-6540104-T-C. GRCh37 (hg19) VCF-style: chr9-6540104-T-C.
Other names: short protein forms K871R.
Identifiers: ClinVar variation 664854 (VCV000664854.12), dbSNP rs766244892, ClinGen allele CA4980135.
Genomic context (GRCh38, chr9:6,540,104, plus strand): 5'-CACTTACCATAATCCTGGAGTCTCTTGGCCACATCCACAGCCTCAATATTTGCAGACTTT[T>C]TGAAGGGTCTCGTGTCCAAAATAAATTCATGACCCACATAACCTGTTCAGGAAAGTTGTT-3'
Protein context (NP_000161.2, residues 861-881): HEFILDTRPF[Lys871Arg]KSANIEAVDV